The following is an entry in ClinVar:

NM_002528.7(NTHL1):c.343G>C (p.Ala115Pro)

Gene: NTHL1 (nth like DNA glycosylase 1; minus strand). Cytogenetic location: 16p13.3.
Variant type: single nucleotide variant.
Coding change: c.343G>C on transcript NM_002528.7 (MANE Select); coding-DNA position 343, G replaced by C.
Protein change: p.Ala115Pro; replaces alanine 115 with proline.
Molecular consequence: missense variant. On other transcripts: intron variant (1).
Genome position (GRCh38, 1-based): chr16:2,046,139, C>G on the plus strand (G>C on the coding strand, the complement: NTHL1 is on the minus strand). VCF-style: chr16-2046139-C-G. GRCh37 (hg19) VCF-style: chr16-2096140-C-G.
Other names: c.343G>C, p.Ala115Pro (NM_001318193.2); c.24+141G>C (NM_001318194.2); short protein forms A115P.
Identifiers: ClinVar variation 1950742 (VCV001950742.5), dbSNP rs545731865, ClinGen allele CA394295081.

ClinVar aggregate classification (germline): Uncertain significance (1 of 4 stars; one submission).

Submission:

Labcorp Genetics (formerly Invitae), Labcorp
Classification: Uncertain significance. Last evaluated: 2024-03-19. Review status: criteria provided, single submitter. Criteria: Invitae Variant Classification Sherloc (09022015). Collection method: clinical testing. Allele origin: germline.
Comment: This sequence change replaces alanine, which is neutral and non-polar, with proline, which is neutral and non-polar, at codon 123 of the NTHL1 protein (p.Ala123Pro). This variant is not present in population databases (gnomAD no frequency). This variant has not been reported in the literature in individuals affected with NTHL1-related conditions. ClinVar contains an entry for this variant (Variation ID: 1950742). An algorithm developed to predict the effect of missense changes on protein structure and function (PolyPhen-2) suggests that this variant is likely to be tolerated. In summary, the available evidence is currently insufficient to determine the role of this variant in disease. Therefore, it has been classified as a Variant of Uncertain Significance.